The following is an entry in ClinVar:

ClinVar aggregate classification (germline): Uncertain significance. Review status: criteria provided, multiple submitters, no conflicts (2 of 4 stars). 2 submissions from 2 submitters: Uncertain significance (2). Last evaluated 2025-04-01.

Conditions:
Inborn genetic diseases. Identifiers: MedGen C0950123, MeSH D030342.

Allele frequency attached by ClinVar (database versions not stated): TOPMed 0.00003; gnomAD 0.00004.
gnomAD v4.1: 35 of 1,587,610 alleles (0.0022%); highest among the groups gnomAD compares: Non-Finnish European, 0.0029%; no homozygotes.

Submissions (2):

Ambry Genetics
Classification: Uncertain significance for Inborn genetic diseases. Last evaluated: 2025-04-01. Review status: criteria provided, single submitter. Criteria: Ambry Variant Classification Scheme 2023. Collection method: clinical testing. Allele origin: germline.

Labcorp Genetics (formerly Invitae), Labcorp
Classification: Uncertain significance. Last evaluated: 2022-06-08. Review status: criteria provided, single submitter. Criteria: Invitae Variant Classification Sherloc (09022015). Collection method: clinical testing. Allele origin: germline.
Comment: This sequence change replaces tryptophan, which is neutral and slightly polar, with cysteine, which is neutral and slightly polar, at codon 21 of the MPLKIP protein (p.Trp21Cys). This variant is present in population databases (rs750387406, gnomAD 0.005%). This variant has not been reported in the literature in individuals affected with MPLKIP-related conditions. Algorithms developed to predict the effect of missense changes on protein structure and function are either unavailable or do not agree on the potential impact of this missense change (SIFT: "Tolerated"; PolyPhen-2: "Not Available"; Align-GVGD: "Class C0"). In summary, the available evidence is currently insufficient to determine the role of this variant in disease. Therefore, it has been classified as a Variant of Uncertain Significance.

NM_138701.4(MPLKIP):c.63G>C (p.Trp21Cys)

Gene: MPLKIP (M-phase specific PLK1 interacting protein; minus strand). Cytogenetic location: 7p14.1.
Variant type: single nucleotide variant.
Coding change: c.63G>C on transcript NM_138701.4 (MANE Select); coding-DNA position 63, G replaced by C.
Protein change: p.Trp21Cys; replaces tryptophan 21 with cysteine.
Molecular consequence: missense variant.
Genome position (GRCh38, 1-based): chr7:40,134,505, C>G on the plus strand (G>C on the coding strand, the complement: MPLKIP is on the minus strand). VCF-style: chr7-40134505-C-G. GRCh37 (hg19) VCF-style: chr7-40174104-C-G.
Other names: c.63G>C (NM_138701.3); short protein forms W21C.
Identifiers: ClinVar variation 2184849 (VCV002184849.2), dbSNP rs750387406, ClinGen allele CA4229253.